The following is an entry in ClinVar:

ClinVar aggregate classification (germline): Benign (0 of 4 stars; one submission).

Conditions:
DIP2A-related disorder. Also called: DIP2A-related condition.

Allele frequency attached by ClinVar (database versions not stated): gnomAD exomes 0.24929; ESP Exome Variant Server 0.29676; gnomAD 0.31381; TOPMed 0.31846; 1000 Genomes Project 30x 0.35821; 1000 Genomes Project 0.35883; ExAC 0.37662.
gnomAD v4.1: 401,864 of 1,566,230 alleles (26%); highest among the groups gnomAD compares: African/African-American, 47%; 54,994 homozygotes.

Submission:

PreventionGenetics, part of Exact Sciences
Classification: Benign for DIP2A-related condition. Last evaluated: 2020-05-15. Review status: no assertion criteria provided. Collection method: clinical testing. Allele origin: germline.
Comment: This variant is classified as benign based on ACMG/AMP sequence variant interpretation guidelines (Richards et al. 2015 PMID: 25741868, with internal and published modifications).

NM_015151.4(DIP2A):c.174A>G (p.Pro58=)

Gene: DIP2A (disco interacting protein 2 homolog A; plus strand). Cytogenetic location: 21q22.3.
Variant type: single nucleotide variant.
Coding change: c.174A>G on transcript NM_015151.4 (MANE Select); coding-DNA position 174, A replaced by G.
Protein change: p.Pro58=; no amino-acid change (proline 58 retained).
Molecular consequence: synonymous variant.
Genome position (GRCh38, 1-based): chr21:46,490,610, A>G. VCF-style: chr21-46490610-A-G. GRCh37 (hg19) VCF-style: chr21-47910523-A-G.
Other names: c.174A>G, p.Pro58= (NM_001146115.2, NM_001146116.2, NM_001353942.2 and 6 more transcripts).
Identifiers: ClinVar variation 3060043 (VCV003060043.2), dbSNP rs7279002, ClinGen allele CA10081640.